The following is an entry in ClinVar:

NM_001009944.3(PKD1):c.3968A>G (p.His1323Arg)

Gene: PKD1 (polycystin 1, transient receptor potential channel interacting; minus strand). Cytogenetic location: 16p13.3.
Variant type: single nucleotide variant.
Coding change: c.3968A>G on transcript NM_001009944.3 (MANE Select); coding-DNA position 3968, A replaced by G.
Protein change: p.His1323Arg; replaces histidine 1323 with arginine.
Molecular consequence: missense variant.
Genome position (GRCh38, 1-based): chr16:2,111,199, T>C on the plus strand (A>G on the coding strand, the complement: PKD1 is on the minus strand). VCF-style: chr16-2111199-T-C. GRCh37 (hg19) VCF-style: chr16-2161200-T-C.
Other names: c.3968A>G, p.His1323Arg (NM_000296.4); short protein forms H1323R.
Identifiers: ClinVar variation 2601333 (VCV002601333.4), dbSNP rs372687490, ClinGen allele CA7832550.

ClinVar aggregate classification (germline): Uncertain significance. Review status: criteria provided, multiple submitters, no conflicts (2 of 4 stars). 2 submissions from 2 submitters: Uncertain significance (2). Last evaluated 2025-12-04.

Conditions:
Inborn genetic diseases. Identifiers: MedGen C0950123, MeSH D030342.

Allele frequency attached by ClinVar (database versions not stated): gnomAD exomes 0.00001; ExAC 0.00003; gnomAD 0.00005; ESP Exome Variant Server 0.00008.
gnomAD v4.1: 17 of 1,610,636 alleles (0.0011%); highest among the groups gnomAD compares: African/African-American, 0.011%; no homozygotes.

Submissions (2):

Ambry Genetics
Classification: Uncertain significance for Inborn genetic diseases. Last evaluated: 2025-12-04. Review status: criteria provided, single submitter. Criteria: Ambry Variant Classification Scheme 2023. Collection method: clinical testing. Allele origin: germline.

GeneDx
Classification: Uncertain significance. Last evaluated: 2025-05-23. Review status: criteria provided, single submitter. Criteria: GeneDx Variant Classification Process June 2021. Collection method: clinical testing. Allele origin: germline. Affected: yes.
Comment: In silico analysis suggests that this missense variant does not alter protein structure/function; Has not been previously published as pathogenic or benign to our knowledge